The following is an entry in ClinVar:

NM_000157.4(GBA1):c.629_635del (p.Pro210fs)

Genes: GBA1 (glucosylceramidase beta 1; minus strand), LOC106627981 (GBA recombination region; plus strand). Cytogenetic location: 1q22.
Variant type: Deletion.
Coding change: c.629_635del on transcript NM_000157.4 (MANE Select); coding-DNA positions 629 to 635, 7 bases deleted (CCGTTTC; older notation c.629_635delCCGTTTC).
Protein change: p.Pro210fs; shifts the reading frame from proline 210.
Molecular consequence: frameshift variant.
Genome position (GRCh38, 1-based): chr1:155,238,260-155,238,266, GAAACGG deleted on the plus strand (CCGTTTC on the coding strand, the reverse complement: GBA1 is on the minus strand); deleting any 7 consecutive bases within chr1:155,238,260-155,238,268 gives the same sequence; the c. name uses the placement nearest the transcript's 3' end. VCF-style (leftmost placement, unchanged base first): chr1-155238259-TGAAACGG-T. GRCh37 (hg19) VCF-style: chr1-155208050-TGAAACGG-T.
Other names: c.629_635del, p.Pro210fs (NM_001005741.3, NM_001005742.3); c.368_374del, p.Pro123fs (NM_001171811.2); c.482_488del, p.Pro161fs (NM_001171812.2); short protein forms P123fs, P161fs, P210fs.
Identifiers: ClinVar variation 4817787 (VCV004817787.1).

ClinVar aggregate classification (germline): Likely pathogenic (1 of 4 stars; one submission).

Conditions:
Gaucher disease. Also called: Acute cerebral Gaucher disease; Cerebroside lipidosis syndrome; Gaucher splenomegaly; Sphingolipidosis 1; Glucocerebrosidosis; Glucosylceramidase deficiency. Identifiers: Orphanet 355, MedGen C0017205, MONDO:0018150.

Submission:

Natera, Inc.
Classification: Likely pathogenic for Gaucher disease. Last evaluated: 2025-12-17. Review status: criteria provided, single submitter. Criteria: Natera Variant Classification Schema (03/2026). Collection method: clinical testing. Allele origin: germline.
Comment: The c.629_635del variant in GBA1 is a frameshift variant predicted to shift the reading frame beginning at codon 210 and leads to a stop codon 19 codons downstream. This variant is expected to result in nonsense mediated decay, truncation, or a dysfunctional protein product. This variant is rare in the general population with a frequency below the threshold expected for the associated phenotype(s). Given the available evidence, this variant is classified as Likely Pathogenic.